The following is an entry in ClinVar:

NM_006208.3(ENPP1):c.583T>C (p.Cys195Arg)

Gene: ENPP1 (ectonucleotide pyrophosphatase/phosphodiesterase 1; plus strand). Cytogenetic location: 6q23.2.
Variant type: single nucleotide variant.
Coding change: c.583T>C on transcript NM_006208.3 (MANE Select); coding-DNA position 583, T replaced by C.
Protein change: p.Cys195Arg; replaces cysteine 195 with arginine.
Molecular consequence: missense variant.
Genome position (GRCh38, 1-based): chr6:131,852,201, T>C. VCF-style: chr6-131852201-T-C. GRCh37 (hg19) VCF-style: chr6-132173341-T-C.
Other names: short protein forms C195R.
Identifiers: ClinVar variation 2580630 (VCV002580630.6), dbSNP rs763457176, ClinGen allele CA4001952.

ClinVar aggregate classification (germline): Conflicting classifications of pathogenicity. Review status: criteria provided, conflicting classifications (1 of 4 stars). 4 submissions from 4 submitters: Likely pathogenic (2); Uncertain significance (1). 1 of the submissions does not count toward it. Last evaluated 2024-05-23.

Conditions:
Arterial calcification, generalized, of infancy, 1 (GACI1). Also called: Idiopathic Infantile Arterial Calcification. Identifiers: Orphanet 51608, MedGen C4551985, MONDO:0008817, OMIM 208000.
ENPP1-related disorder. Also called: ENPP1-related condition; ENPP1-related disorders.

Allele frequency attached by ClinVar (database versions not stated): gnomAD 0.00001; gnomAD exomes 0.00001; ExAC 0.00002; TOPMed 0.00002.
gnomAD v4.1: 16 of 1,607,536 alleles (0.001%); highest among the groups gnomAD compares: East Asian, 0.0022%; no homozygotes.

Submissions (4):

Labcorp Genetics (formerly Invitae), Labcorp
Classification: Uncertain significance. Last evaluated: 2024-05-23. Review status: criteria provided, single submitter. Criteria: Invitae Variant Classification Sherloc (09022015). Collection method: clinical testing. Allele origin: germline.
Comment: This sequence change replaces cysteine, which is neutral and slightly polar, with arginine, which is basic and polar, at codon 195 of the ENPP1 protein (p.Cys195Arg). This variant is present in population databases (rs763457176, gnomAD 0.004%). This missense change has been observed in individuals with generalized arterial calcification of infancy (PMID: 21932012, 27467858). ClinVar contains an entry for this variant (Variation ID: 2580630). Advanced modeling of protein sequence and biophysical properties (such as structural, functional, and spatial information, amino acid conservation, physicochemical variation, residue mobility, and thermodynamic stability) performed at Invitae indicates that this missense variant is expected to disrupt ENPP1 protein function with a positive predictive value of 80%. Experimental studies have shown that this missense change affects ENPP1 function (PMID: 27467858). This variant disrupts the p.Cys195 amino acid residue in ENPP1. Other variant(s) that disrupt this residue have been observed in individuals with ENPP1-related conditions (PMID: 21932012, 27467858), which suggests that this may be a clinically significant amino acid residue. In summary, the available evidence is currently insufficient to determine the role of this variant in disease. Therefore, it has been classified as a Variant of Uncertain Significance.

GeneDx
Classification: Likely pathogenic. Last evaluated: 2023-03-22. Review status: criteria provided, single submitter. Criteria: GeneDx Variant Classification Process June 2021. Collection method: clinical testing. Allele origin: germline. Affected: yes.
Comment: Published functional studies demonstrate a damaging effect on ENPP1 protein function (Stella et al., 2016); Not observed at significant frequency in large population cohorts (gnomAD); In silico analysis supports that this missense variant has a deleterious effect on protein structure/function; This variant is associated with the following publications: (PMID: 21932012, 27467858, 36150100)

Clinical Biomedical Laboratory, Shriners Hospital For Children - Canada
Classification: Likely pathogenic for Arterial calcification, generalized, of infancy, 1. Review status: criteria provided, single submitter. Criteria: ACMG Guidelines, 2015. Collection method: clinical testing. Allele origin: germline. Affected: yes.
Comment: The variant has been observed at a very low frequency in the gnomAD database. Computational tools: (SIFT = damaging, PhyloP = 1.13; conserved, Polyphen-2 = 0.97; deleterious) suggest that the amino acid change is detrimental to protein function. Advanced training algorithm score found in DANN (0.9967) predict this variant as damaging. Biallelic variants in ENPP1 are associated with generalized arterial calcifications of infancy, which corresponds to the clinical diagnosis of the proband. Based on the ACMG variant interpretation guidelines, the available evidence supports classification of both variants as likely pathogenic.

PreventionGenetics, part of Exact Sciences
Classification: Likely pathogenic for ENPP1-related condition. Last evaluated: 2023-12-06. Review status: no assertion criteria provided. Collection method: clinical testing. Allele origin: germline. Not counted in ClinVar's aggregate classification.
Comment: The ENPP1 c.583T>C variant is predicted to result in the amino acid substitution p.Cys195Arg. This variant in the homozygous was reported in an individual with generalized arterial calcification of infancy (Edouard et al 2011. PubMed ID: 21932012). Cell based functional studies suggest that the p.Cys195Arg and p.Cys195Ser substitutions led to altered protein activity (Stella et al. 2016. PubMed ID: 27467858). In summary, we classify this variant as likely pathogenic. This variant is reported in 0.0035% of alleles in individuals of European (Non-Finnish) descent in gnomAD. This variant is interpreted as likely pathogenic.

Literature cited by the submitters: PubMed 21932012 (cited by Labcorp Genetics (formerly Invitae), Labcorp); PubMed 27467858 (cited by Labcorp Genetics (formerly Invitae), Labcorp).